The following is an entry in ClinVar:

NM_014714.4(IFT140):c.1369G>A (p.Ala457Thr)

Genes: IFT140 (intraflagellar transport 140; minus strand), LOC105371046 (uncharacterized LOC105371046; plus strand). Cytogenetic location: 16p13.3.
Variant type: single nucleotide variant.
Coding change: c.1369G>A on transcript NM_014714.4 (MANE Select); coding-DNA position 1369, G replaced by A.
Protein change: p.Ala457Thr; replaces alanine 457 with threonine.
Molecular consequence: missense variant.
Genome position (GRCh38, 1-based): chr16:1,583,377, C>T on the plus strand (G>A on the coding strand, the complement: IFT140 is on the minus strand). VCF-style: chr16-1583377-C-T. GRCh37 (hg19) VCF-style: chr16-1633378-C-T.
Other names: short protein forms A457T.
Identifiers: ClinVar variation 845162 (VCV000845162.10), dbSNP rs747510464, ClinGen allele CA7814323.

ClinVar aggregate classification (germline): Uncertain significance. Review status: criteria provided, multiple submitters, no conflicts (2 of 4 stars). 3 submissions from 3 submitters: Uncertain significance (3). Last evaluated 2025-12-10.

Conditions:
Inborn genetic diseases. Identifiers: MedGen C0950123, MeSH D030342.
Retinitis pigmentosa 80 (RP80). Identifiers: MedGen C4540439, MONDO:0054708, OMIM 617781.
Saldino-Mainzer syndrome (SRTD9). Also called: short-rib thoracic dysplasia 9 with or without polydactyly; SHORT-RIB THORACIC DYSPLASIA 9 WITHOUT POLYDACTYLY; CONORENAL SYNDROME; Renal dysplasia, retinal pigmentary dystrophy, cerebellar ataxia and skeletal dysplasia. Identifiers: Orphanet 140969, MedGen C1849437, MONDO:0009964, OMIM 266920.

Allele frequency attached by ClinVar (database versions not stated): ExAC 0.00002; TOPMed 0.00002.
gnomAD v4.1: 27 of 1,613,964 alleles (0.0017%); highest among the groups gnomAD compares: Middle Eastern, 0.033%; no homozygotes.

Submissions (3):

Labcorp Genetics (formerly Invitae), Labcorp
Classification: Uncertain significance for Saldino-Mainzer syndrome. Last evaluated: 2025-12-10. Review status: criteria provided, single submitter. Criteria: Invitae Variant Classification Sherloc (09022015). Collection method: clinical testing. Allele origin: germline.
Comment: This sequence change replaces alanine, which is neutral and non-polar, with threonine, which is neutral and polar, at codon 457 of the IFT140 protein (p.Ala457Thr). This variant is present in population databases (rs747510464, gnomAD 0.006%). This variant has not been reported in the literature in individuals affected with IFT140-related conditions. ClinVar contains an entry for this variant (Variation ID: 845162). Invitae Evidence Modeling of protein sequence and biophysical properties (such as structural, functional, and spatial information, amino acid conservation, physicochemical variation, residue mobility, and thermodynamic stability) indicates that this missense variant is not expected to disrupt IFT140 protein function with a negative predictive value of 95%. In summary, the available evidence is currently insufficient to determine the role of this variant in disease. Therefore, it has been classified as a Variant of Uncertain Significance.

Ambry Genetics
Classification: Uncertain significance for Inborn genetic diseases. Last evaluated: 2025-07-14. Review status: criteria provided, single submitter. Criteria: Ambry Variant Classification Scheme 2023. Collection method: clinical testing. Allele origin: germline.

Fulgent Genetics
Classification: Uncertain significance for Saldino-Mainzer syndrome; Retinitis pigmentosa 80. Last evaluated: 2022-02-09. Review status: criteria provided, single submitter. Criteria: ACMG Guidelines, 2015. Collection method: clinical testing. Allele origin: unknown.